The following is an entry in ClinVar:

NM_004364.5(CEBPA):c.300C>A (p.Gly100=)

Gene: CEBPA (CCAAT enhancer binding protein alpha; minus strand). Cytogenetic location: 19q13.11.
Variant type: single nucleotide variant.
Coding change: c.300C>A on transcript NM_004364.5 (MANE Select); coding-DNA position 300, C replaced by A.
Protein change: p.Gly100=; no amino-acid change (glycine 100 retained).
Molecular consequence: synonymous variant. On other transcripts: 5 prime UTR variant (1).
Genome position (GRCh38, 1-based): chr19:33,302,115, G>T on the plus strand (C>A on the coding strand, the complement: CEBPA is on the minus strand). VCF-style: chr19-33302115-G-T. GRCh37 (hg19) VCF-style: chr19-33793021-G-T.
Other names: c.-58C>A (NM_001285829.2); c.405C>A, p.Gly135= (NM_001287424.2); c.258C>A, p.Gly86= (NM_001287435.2).
Identifiers: ClinVar variation 2744380 (VCV002744380.3), dbSNP rs2145263194, ClinGen allele CA507007320.

ClinVar aggregate classification (germline): Uncertain significance (1 of 4 stars; one submission).

Conditions:
Acute myeloid leukemia (AML). Also called: Acute myeloid leukemia, adult; AML adult; Acute non-lymphocytic leukemia; Acute granulocytic leukemia; Leukemia, acute myeloid, somatic; Leukemia, acute myelogenous, somatic. Identifiers: Orphanet 519, MedGen C0023467, MeSH D015470, MONDO:0018874, OMIM 601626, HP:0004808. Disease mechanism: Constitutively activated FLT3.

Submission:

Labcorp Genetics (formerly Invitae), Labcorp
Classification: Uncertain significance for Acute myeloid leukemia. Last evaluated: 2023-05-28. Review status: criteria provided, single submitter. Criteria: Invitae Variant Classification Sherloc (09022015). Collection method: clinical testing. Allele origin: germline.
Comment: In summary, the available evidence is currently insufficient to determine the role of this variant in disease. Therefore, it has been classified as a Variant of Uncertain Significance. This variant has not been reported in the literature in individuals affected with CEBPA-related conditions. This variant is not present in population databases (gnomAD no frequency). This sequence change affects codon 100 of the CEBPA mRNA. It is a 'silent' change, meaning that it does not change the encoded amino acid sequence of the CEBPA protein.